The following is an entry in ClinVar:

Single allele

Gene: DMD (dystrophin; minus strand). Cytogenetic location: Xp21.1.
Variant type: Deletion.
Identifiers: ClinVar variation 1256404 (VCV001256404.2).

ClinVar aggregate classification (germline): Pathogenic (1 of 4 stars; one submission).

Submission:

Athena Diagnostics
Classification: Pathogenic. Last evaluated: 2021-01-25. Review status: criteria provided, single submitter. Criteria: Athena Diagnostics Criteria. Collection method: clinical testing. Allele origin: unknown.
Comment: This variant has not been reported in large, multi-ethnic general populations (Genome Aggregation Database (gnomAD), Cambridge, MA (URL)). Similar deletions of exon 45-55 have been reported primarily in patients with Becker muscular dystrophy (BMD), several cases with Duchenne muscular dystrophy (DMD; PMID: 28332368, 28181689, 25972034, 17854090), and at least two dilated cardiomyopathy cases (PMID: 18261911).

Literature cited by the submitters: PubMed 15655674; PubMed 17041910; PubMed 26911353; PubMed 22090376; PubMed 18752307; PubMed 16030524; PubMed 11257468; PubMed 20683981; PubMed 18261911; PubMed 17253928; PubMed 16936400; PubMed 30723005; PubMed 22776072; PubMed 27974813; PubMed 11813847; PubMed 10529540; PubMed 26155064; PubMed 20036901; PubMed 18663755; PubMed 19937601; PubMed 16049303; PubMed 19396825; PubMed 11412872; PubMed 23588064; PubMed 17854090; PubMed 28181689; PubMed 28332368; PubMed 25972034; PubMed 31443951; PubMed 19367636; PubMed 17259292; PubMed 27750387; PubMed 27593222; PubMed 31705731.